The following is an entry in ClinVar:

NM_000138.5(FBN1):c.2099del (p.Pro700fs)

Gene: FBN1 (fibrillin 1; minus strand). Cytogenetic location: 15q21.1.
Variant type: Deletion.
Coding change: c.2099del on transcript NM_000138.5 (MANE Select); coding-DNA position 2099, one base deleted (C; older notation c.2099delC).
Protein change: p.Pro700fs; shifts the reading frame from proline 700.
Molecular consequence: frameshift variant.
Genome position (GRCh38, 1-based): chr15:48,503,801, G deleted on the plus strand (C on the coding strand, the reverse complement: FBN1 is on the minus strand); the first of 2 consecutive G bases (chr15:48,503,801-48,503,802); deleting either gives the same sequence. VCF-style (leftmost placement, unchanged base first): chr15-48503800-AG-A. GRCh37 (hg19) VCF-style: chr15-48795997-AG-A.
Other names: c.2099delC (NM_000138.4); short protein forms P700fs.
Identifiers: ClinVar variation 661223 (VCV000661223.6), dbSNP rs1597574166, ClinGen allele CA915946594.

ClinVar aggregate classification (germline): Pathogenic (1 of 4 stars; one submission).

Conditions:
Familial thoracic aortic aneurysm and aortic dissection (TAAD). Also called: Thoracic aortic aneurysms and dissections. Identifiers: Orphanet 91387, MedGen C4707243, MONDO:0019625.
Marfan syndrome (MFS). Also called: FBN1-Related Marfan Syndrome; Marfan syndrome type 1; Marfan's syndrome; Marfan syndrome, classic; MARFAN SYNDROME, TYPE I. Identifiers: Orphanet 284963, Orphanet 558, MedGen C0024796, MONDO:0007947, OMIM 154700.

Submission:

Labcorp Genetics (formerly Invitae), Labcorp
Classification: Pathogenic for Marfan syndrome; Familial thoracic aortic aneurysm and aortic dissection. Last evaluated: 2018-10-05. Review status: criteria provided, single submitter. Criteria: Invitae Variant Classification Sherloc (09022015). Collection method: clinical testing. Allele origin: germline.
Comment: This sequence change creates a premature translational stop signal (p.Pro700Leufs*18) in the FBN1 gene. It is expected to result in an absent or disrupted protein product. This variant is not present in population databases (ExAC no frequency). This variant has not been reported in the literature in individuals with FBN1-related disease. Loss-of-function variants in FBN1 are known to be pathogenic (PMID: 17657824, 19293843). For these reasons, this variant has been classified as Pathogenic.

Literature cited by the submitters: PubMed 17657824; PubMed 19293843.